The following is an entry in ClinVar:

NM_002180.3(IGHMBP2):c.2788C>T (p.His930Tyr)

Gene: IGHMBP2 (immunoglobulin mu DNA binding protein 2; plus strand). Cytogenetic location: 11q13.3.
Variant type: single nucleotide variant.
Coding change: c.2788C>T on transcript NM_002180.3 (MANE Select); coding-DNA position 2788, C replaced by T.
Protein change: p.His930Tyr; replaces histidine 930 with tyrosine.
Molecular consequence: missense variant.
Genome position (GRCh38, 1-based): chr11:68,939,537, C>T. VCF-style: chr11-68939537-C-T. GRCh37 (hg19) VCF-style: chr11-68707005-C-T.
Other names: short protein forms H930Y.
Identifiers: ClinVar variation 2080655 (VCV002080655.1), dbSNP rs954408260, ClinGen allele CA223415829.

ClinVar aggregate classification (germline): Uncertain significance (1 of 4 stars; one submission).

Conditions:
Charcot-Marie-Tooth disease axonal type 2S. Also called: CHARCOT-MARIE-TOOTH NEUROPATHY, TYPE 2S; CHARCOT-MARIE-TOOTH DISEASE, AXONAL, AUTOSOMAL RECESSIVE, TYPE 2S. Identifiers: Orphanet 443073, MedGen C4015349, MONDO:0014511, OMIM 616155.
Autosomal recessive distal spinal muscular atrophy 1. Also called: NEURONOPATHY, DISTAL HEREDITARY MOTOR, HARDING TYPE VI; NEUROPATHY, DISTAL HEREDITARY MOTOR, AUTOSOMAL RECESSIVE 1; SEVERE INFANTILE AXONAL NEUROPATHY WITH RESPIRATORY FAILURE; SPINAL MUSCULAR ATROPHY, DIAPHRAGMATIC; Spinal muscular atrophy with respiratory distress 1; HMN VI. Identifiers: Orphanet 98920, MedGen C1858517, MONDO:0011436, OMIM 604320.

Allele frequency attached by ClinVar (database versions not stated): gnomAD 0.00001; TOPMed 0.00002.
gnomAD v4.1: 2 of 1,611,806 alleles (0.00012%); highest among the groups gnomAD compares: Non-Finnish European, 0.00017%; no homozygotes.

Submission:

Labcorp Genetics (formerly Invitae), Labcorp
Classification: Uncertain significance for Autosomal recessive distal spinal muscular atrophy 1; Charcot-Marie-Tooth disease axonal type 2S. Last evaluated: 2021-12-21. Review status: criteria provided, single submitter. Criteria: Invitae Variant Classification Sherloc (09022015). Collection method: clinical testing. Allele origin: germline.
Comment: This sequence change replaces histidine, which is basic and polar, with tyrosine, which is neutral and polar, at codon 930 of the IGHMBP2 protein (p.His930Tyr). This variant is not present in population databases (gnomAD no frequency). This variant has not been reported in the literature in individuals affected with IGHMBP2-related conditions. Algorithms developed to predict the effect of missense changes on protein structure and function are either unavailable or do not agree on the potential impact of this missense change (SIFT: "Deleterious"; PolyPhen-2: "Probably Damaging"; Align-GVGD: "Class C0"). In summary, the available evidence is currently insufficient to determine the role of this variant in disease. Therefore, it has been classified as a Variant of Uncertain Significance.